The following is an entry in ClinVar:

ClinVar aggregate classification (germline): Likely benign (1 of 4 stars; one submission).

gnomAD v4.1: 5 of 1,613,954 alleles (0.00031%); highest among the groups gnomAD compares: Admixed American, 0.0033%; no homozygotes.

Submission:

Women's Health and Genetics/Laboratory Corporation of America, LabCorp
Classification: Likely benign. Last evaluated: 2025-02-06. Review status: criteria provided, single submitter. Criteria: LabCorp Variant Classification Summary - May 2015. Collection method: clinical testing. Allele origin: germline.
Comment: Variant summary: RPS23 c.99C>T alters a conserved nucleotide resulting in a synonymous change. Consensus agreement among computation tools predict no significant impact on normal splicing. However, these predictions have yet to be confirmed by functional studies. The variant allele was found at a frequency of 8e-06 in 249274 control chromosomes. The available data on variant occurrences in the general population are insufficient to allow any conclusion about variant significance. To our knowledge, no occurrence of c.99C>T in individuals affected with Brachycephaly, Trichomegaly, And Developmental Delay and no experimental evidence demonstrating its impact on protein function have been reported. No submitters have cited clinical-significance assessments for this variant to ClinVar. Based on the evidence outlined above, the variant was classified as likely benign.

NM_001025.5(RPS23):c.99C>T (p.Gly33=)

Gene: RPS23 (ribosomal protein S23; minus strand). Cytogenetic location: 5q14.2.
Variant type: single nucleotide variant.
Coding change: c.99C>T on transcript NM_001025.5 (MANE Select); coding-DNA position 99, C replaced by T.
Protein change: p.Gly33=; no amino-acid change (glycine 33 retained).
Molecular consequence: synonymous variant.
Genome position (GRCh38, 1-based): chr5:82,277,758, G>A on the plus strand (C>T on the coding strand, the complement: RPS23 is on the minus strand). VCF-style: chr5-82277758-G-A. GRCh37 (hg19) VCF-style: chr5-81573577-G-A.
Identifiers: ClinVar variation 3768706 (VCV003768706.1).
Genomic context (GRCh38, chr5:82,277,758, plus strand): 5'-TTCCAGCACGATTCCTTTTGCATGAGAAGCACCTCCAAAAGGGTTGGCCTTTAGGGCTGT[G>A]CCCAAATGAGCTTTCTTATACTGTTTATCATGCCACTTCTGGTCTCGTCGGTGACTACGG-3'
Protein context (NP_001016.1, residues 23-43): HDKQYKKAHL[Gly33=]TALKANPFGG